The following is an entry in ClinVar:

ClinVar aggregate classification (germline): Uncertain significance (1 of 4 stars; one submission).

Allele frequency attached by ClinVar (database versions not stated): gnomAD exomes 0.00001; TOPMed 0.00003; ExAC 0.00002.
gnomAD v4.1: 11 of 1,607,062 alleles (0.00068%); highest among the groups gnomAD compares: East Asian, 0.0089%; no homozygotes.

Submission:

Labcorp Genetics (formerly Invitae), Labcorp
Classification: Uncertain significance. Last evaluated: 2025-04-17. Review status: criteria provided, single submitter. Criteria: Invitae Variant Classification Sherloc (09022015). Collection method: clinical testing. Allele origin: germline.
Comment: This sequence change replaces threonine, which is neutral and polar, with methionine, which is neutral and non-polar, at codon 139 of the ENPP1 protein (p.Thr139Met). This variant is present in population databases (rs765115472, gnomAD 0.02%). This variant has not been reported in the literature in individuals affected with ENPP1-related conditions. ClinVar contains an entry for this variant (Variation ID: 2967356). Invitae Evidence Modeling of protein sequence and biophysical properties (such as structural, functional, and spatial information, amino acid conservation, physicochemical variation, residue mobility, and thermodynamic stability) indicates that this missense variant is not expected to disrupt ENPP1 protein function with a negative predictive value of 80%. In summary, the available evidence is currently insufficient to determine the role of this variant in disease. Therefore, it has been classified as a Variant of Uncertain Significance.

NM_006208.3(ENPP1):c.416C>T (p.Thr139Met)

Gene: ENPP1 (ectonucleotide pyrophosphatase/phosphodiesterase 1; plus strand). Cytogenetic location: 6q23.2.
Variant type: single nucleotide variant.
Coding change: c.416C>T on transcript NM_006208.3 (MANE Select); coding-DNA position 416, C replaced by T.
Protein change: p.Thr139Met; replaces threonine 139 with methionine.
Molecular consequence: missense variant.
Genome position (GRCh38, 1-based): chr6:131,850,092, C>T. VCF-style: chr6-131850092-C-T. GRCh37 (hg19) VCF-style: chr6-132171232-C-T.
Other names: short protein forms T139M.
Identifiers: ClinVar variation 2967356 (VCV002967356.3), dbSNP rs765115472, ClinGen allele CA4001890.